The following is an entry in ClinVar:

ClinVar aggregate classification (germline): Uncertain significance. Review status: criteria provided, multiple submitters, no conflicts (2 of 4 stars). 2 submissions from 2 submitters: Uncertain significance (2). Last evaluated 2025-06-02.

Conditions:
Cardiovascular phenotype. Identifiers: MedGen CN230736.

gnomAD v4.1: 2 of 1,613,476 alleles (0.00012%); highest among the groups gnomAD compares: African/African-American, 0.0013%; no homozygotes.

Submissions (2):

Ambry Genetics
Classification: Uncertain significance for Cardiovascular phenotype. Last evaluated: 2025-06-02. Review status: criteria provided, single submitter. Criteria: Ambry Variant Classification Scheme 2023. Collection method: clinical testing. Allele origin: germline.
Comment: The p.I249T variant (also known as c.746T>C), located in coding exon 16 of the COL1A2 gene, results from a T to C substitution at nucleotide position 746. The isoleucine at codon 249 is replaced by threonine, an amino acid with similar properties. This amino acid position is not well conserved in available vertebrate species. In addition, the in silico prediction for this alteration is inconclusive. Based on the available evidence, the clinical significance of this variant remains unclear.

GeneDx
Classification: Uncertain significance. Last evaluated: 2024-04-29. Review status: criteria provided, single submitter. Criteria: GeneDx Variant Classification Process June 2021. Collection method: clinical testing. Allele origin: germline. Affected: yes.
Comment: Not observed at significant frequency in large population cohorts (gnomAD); In silico analysis indicates that this missense variant does not alter protein structure/function; Has not been previously published as pathogenic or benign to our knowledge

NM_000089.4(COL1A2):c.746T>C (p.Ile249Thr)

Gene: COL1A2 (collagen type I alpha 2 chain; plus strand). Cytogenetic location: 7q21.3.
Variant type: single nucleotide variant.
Coding change: c.746T>C on transcript NM_000089.4 (MANE Select); coding-DNA position 746, T replaced by C.
Protein change: p.Ile249Thr; replaces isoleucine 249 with threonine.
Molecular consequence: missense variant.
Genome position (GRCh38, 1-based): chr7:94,408,777, T>C. VCF-style: chr7-94408777-T-C. GRCh37 (hg19) VCF-style: chr7-94038089-T-C.
Other names: short protein forms I249T.
Identifiers: ClinVar variation 3373287 (VCV003373287.2).